The following is an entry in ClinVar:

ClinVar aggregate classification (germline): Uncertain significance. Review status: criteria provided, multiple submitters, no conflicts (2 of 4 stars). 2 submissions from 2 submitters: Uncertain significance (2). Last evaluated 2025-09-13.

Conditions:
Inborn genetic diseases. Identifiers: MedGen C0950123, MeSH D030342.
Perlman syndrome (PRLMNS). Identifiers: Orphanet 2849, MedGen C0796113, MONDO:0009965, OMIM 267000.

Allele frequency attached by ClinVar (database versions not stated): gnomAD exomes below 0.00001.
gnomAD v4.1: 2 of 1,612,952 alleles (0.00012%); highest among the groups gnomAD compares: East Asian, 0.0022%; no homozygotes.

Submissions (2):

Labcorp Genetics (formerly Invitae), Labcorp
Classification: Uncertain significance for Perlman syndrome. Last evaluated: 2025-09-13. Review status: criteria provided, single submitter. Criteria: Invitae Variant Classification Sherloc (09022015). Collection method: clinical testing. Allele origin: germline.
Comment: This sequence change replaces proline, which is neutral and non-polar, with serine, which is neutral and polar, at codon 612 of the DIS3L2 protein (p.Pro612Ser). This variant is not present in population databases (gnomAD no frequency). This variant has not been reported in the literature in individuals affected with DIS3L2-related conditions. ClinVar contains an entry for this variant (Variation ID: 1019862). Invitae Evidence Modeling of protein sequence and biophysical properties (such as structural, functional, and spatial information, amino acid conservation, physicochemical variation, residue mobility, and thermodynamic stability) indicates that this missense variant is not expected to disrupt DIS3L2 protein function with a negative predictive value of 80%. In summary, the available evidence is currently insufficient to determine the role of this variant in disease. Therefore, it has been classified as a Variant of Uncertain Significance.

Ambry Genetics
Classification: Uncertain significance for Inborn genetic diseases. Last evaluated: 2025-08-31. Review status: criteria provided, single submitter. Criteria: Ambry Variant Classification Scheme 2023. Collection method: clinical testing. Allele origin: germline.

NM_152383.5(DIS3L2):c.1834C>T (p.Pro612Ser)

Gene: DIS3L2 (DIS3 like 3'-5' exoribonuclease 2; plus strand). Cytogenetic location: 2q37.1.
Variant type: single nucleotide variant.
Coding change: c.1834C>T on transcript NM_152383.5 (MANE Select); coding-DNA position 1834, C replaced by T.
Protein change: p.Pro612Ser; replaces proline 612 with serine.
Molecular consequence: missense variant. On other transcripts: non-coding transcript variant (2), intron variant (1).
Genome position (GRCh38, 1-based): chr2:232,329,907, C>T. VCF-style: chr2-232329907-C-T. GRCh37 (hg19) VCF-style: chr2-233194617-C-T.
Other names: c.1834C>T (NM_152383.4); c.1582-13438C>T (NM_001257281.2); short protein forms P612S.
Identifiers: ClinVar variation 1019862 (VCV001019862.7), dbSNP rs1695685425, ClinGen allele CA350976114.
Genomic context (GRCh38, chr2:232,329,907, plus strand): 5'-GCAGTGGCCCACAAGATCCACCGCGCCTTCCCCGAGCAGGCCCTGCTGCGCCGGCACCCC[C>T]CGCCCCAAACAAGGATGCTCAGTGACCTGGTGGAATTCTGCGACCAGATGGGGCTGCCCG-3'
Protein context (NP_689596.4, residues 602-622): PEQALLRRHP[Pro612Ser]PQTRMLSDLV